The following is an entry in ClinVar:

ClinVar aggregate classification (germline): Uncertain significance. Review status: criteria provided, multiple submitters, no conflicts (2 of 4 stars). 2 submissions from 2 submitters: Uncertain significance (2). Last evaluated 2026-02-12.

Conditions:
Hereditary cancer-predisposing syndrome. Also called: Hereditary neoplastic syndrome; Tumor predisposition; Neoplastic Syndromes, Hereditary; Hereditary Cancer Syndrome. Identifiers: Orphanet 140162, MedGen C0027672, MeSH D009386, MONDO:0015356.
Gorlin syndrome. Also called: Basal cell nevus syndrome; Nevoid Basal Cell Carcinoma Syndrome. Identifiers: Orphanet 377, MedGen C0004779, MONDO:0007187.

Allele frequency attached by ClinVar (database versions not stated): gnomAD exomes below 0.00001.
gnomAD v4.1: 1 of 1,614,230 alleles (0.000062%); highest among the groups gnomAD compares: Non-Finnish European, 0.000085%; no homozygotes.

Submissions (2):

Ambry Genetics
Classification: Uncertain significance for Hereditary cancer-predisposing syndrome. Last evaluated: 2026-02-12. Review status: criteria provided, single submitter. Criteria: Ambry Variant Classification Scheme 2023. Collection method: clinical testing. Allele origin: germline.
Comment: The p.A472T variant (also known as c.1414G>A), located in coding exon 10 of the PTCH1 gene, results from a G to A substitution at nucleotide position 1414. The alanine at codon 472 is replaced by threonine, an amino acid with similar properties. This amino acid position is highly conserved in available vertebrate species. In addition, this alteration is predicted to be deleterious by in silico analysis. Based on the available evidence, the clinical significance of this variant remains unclear.

Labcorp Genetics (formerly Invitae), Labcorp
Classification: Uncertain significance for Gorlin syndrome. Last evaluated: 2021-01-19. Review status: criteria provided, single submitter. Criteria: Invitae Variant Classification Sherloc (09022015). Collection method: clinical testing. Allele origin: germline.
Comment: This sequence change replaces alanine with threonine at codon 472 of the PTCH1 protein (p.Ala472Thr). The alanine residue is moderately conserved and there is a small physicochemical difference between alanine and threonine. This variant is not present in population databases (ExAC no frequency). This variant has not been reported in the literature in individuals with PTCH1-related conditions. Algorithms developed to predict the effect of missense changes on protein structure and function are either unavailable or do not agree on the potential impact of this missense change (SIFT: "Tolerated"; PolyPhen-2: "Possibly Damaging"; Align-GVGD: "Class C0"). In summary, the available evidence is currently insufficient to determine the role of this variant in disease. Therefore, it has been classified as a Variant of Uncertain Significance.

NM_000264.5(PTCH1):c.1414G>A (p.Ala472Thr)

Gene: PTCH1 (patched 1; minus strand). Cytogenetic location: 9q22.32.
Variant type: single nucleotide variant.
Coding change: c.1414G>A on transcript NM_000264.5 (MANE Select); coding-DNA position 1414, G replaced by A.
Protein change: p.Ala472Thr; replaces alanine 472 with threonine.
Molecular consequence: missense variant. On other transcripts: non-coding transcript variant (1), intron variant (1).
Genome position (GRCh38, 1-based): chr9:95,477,636, C>T on the plus strand (G>A on the coding strand, the complement: PTCH1 is on the minus strand). VCF-style: chr9-95477636-C-T. GRCh37 (hg19) VCF-style: chr9-98239918-C-T.
Other names: c.1216G>A, p.Ala406Thr (NM_001083602.3); c.1411G>A, p.Ala471Thr (NM_001083603.3); c.961G>A, p.Ala321Thr (NM_001083604.3, NM_001083605.3, NM_001083606.3 and 1 more transcripts); c.1347+419G>A (NM_001354918.2); c.1414G>A (NM_000264.3); short protein forms A406T, A472T, A471T, A321T.
Identifiers: ClinVar variation 1365789 (VCV001365789.9), dbSNP rs899465701, ClinGen allele CA374118546.